The following is an entry in ClinVar:

NM_001197104.2(KMT2A):c.3859A>C (p.Thr1287Pro)

Gene: KMT2A (lysine methyltransferase 2A; plus strand). Cytogenetic location: 11q23.3.
Variant type: single nucleotide variant.
Coding change: c.3859A>C on transcript NM_001197104.2 (MANE Select); coding-DNA position 3859, A replaced by C.
Protein change: p.Thr1287Pro; replaces threonine 1287 with proline.
Molecular consequence: missense variant.
Genome position (GRCh38, 1-based): chr11:118,481,939, A>C. VCF-style: chr11-118481939-A-C. GRCh37 (hg19) VCF-style: chr11-118352654-A-C.
Other names: c.3958A>C, p.Thr1320Pro (NM_001412597.1); c.3859A>C, p.Thr1287Pro (NM_005933.4); short protein forms T1287P, T1320P.
Identifiers: ClinVar variation 3634314 (VCV003634314.2).

ClinVar aggregate classification (germline): Uncertain significance (1 of 4 stars; one submission).

Submission:

Labcorp Genetics (formerly Invitae), Labcorp
Classification: Uncertain significance. Last evaluated: 2024-03-07. Review status: criteria provided, single submitter. Criteria: Invitae Variant Classification Sherloc (09022015). Collection method: clinical testing. Allele origin: germline.
Comment: This sequence change replaces threonine, which is neutral and polar, with proline, which is neutral and non-polar, at codon 1287 of the KMT2A protein (p.Thr1287Pro). This variant is not present in population databases (gnomAD no frequency). This variant has not been reported in the literature in individuals affected with KMT2A-related conditions. Advanced modeling of protein sequence and biophysical properties (such as structural, functional, and spatial information, amino acid conservation, physicochemical variation, residue mobility, and thermodynamic stability) performed at Invitae indicates that this missense variant is not expected to disrupt KMT2A protein function with a negative predictive value of 95%. In summary, the available evidence is currently insufficient to determine the role of this variant in disease. Therefore, it has been classified as a Variant of Uncertain Significance.